The following is an entry in ClinVar:

ClinVar aggregate classification (germline): Uncertain significance. Review status: criteria provided, multiple submitters, no conflicts (2 of 4 stars). 2 submissions from 2 submitters: Uncertain significance (2). Last evaluated 2022-06-15.

Conditions:
Sterile multifocal osteomyelitis with periostitis and pustulosis. Also called: CHRONIC RECURRENT MULTIFOCAL OSTEOMYELITIS 2, WITH PERIOSTITIS AND PUSTULOSIS. Identifiers: Orphanet 210115, MedGen C2748507, MONDO:0013021, OMIM 612852.

Submissions (2):

Labcorp Genetics (formerly Invitae), Labcorp
Classification: Uncertain significance for Sterile multifocal osteomyelitis with periostitis and pustulosis. Last evaluated: 2022-06-15. Review status: criteria provided, single submitter. Criteria: Invitae Variant Classification Sherloc (09022015). Collection method: clinical testing. Allele origin: germline.
Comment: This variant has not been reported in the literature in individuals affected with IL1RN-related conditions. In summary, the available evidence is currently insufficient to determine the role of this variant in disease. Therefore, it has been classified as a Variant of Uncertain Significance. Experimental studies and prediction algorithms are not available or were not evaluated, and the functional significance of this variant is currently unknown. Information on the frequency of this variant in the gnomAD database is not available, as this variant may be reported differently in the database. This sequence change replaces glycine, which is neutral and non-polar, with serine, which is neutral and polar, at codon 134 of the IL1RN protein (p.Gly134Ser).

Mayo Clinic Laboratories, Mayo Clinic
Classification: Uncertain significance. Last evaluated: 2021-11-30. Review status: criteria provided, single submitter. Criteria: ACMG Guidelines, 2015. Collection method: clinical testing. Allele origin: germline.

NM_173842.3(IL1RN):c.390_391inv (p.Gly131Ser)

Gene: IL1RN (interleukin 1 receptor antagonist; plus strand). Cytogenetic location: 2q14.1.
Variant type: Inversion.
Coding change: c.390_391inv on transcript NM_173842.3 (MANE Select).
Protein change: p.Gly131Ser; replaces glycine 131 with serine.
Molecular consequence: missense variant.
Genome position: GRCh38 VCF-style: chr2-113132727-TG-CA. GRCh37 (hg19) VCF-style: chr2-113890304-TG-CA.
Other names: p.Gly134Ser; c.336_337inv, p.Gly113Ser (NM_000577.5); c.288_289inv, p.Gly97Ser (NM_001318914.2, NM_001379360.1, NM_173843.3); c.399_400inv, p.Gly134Ser (NM_173841.3); short protein forms G113S, G131S, G134S, G97S.
Identifiers: ClinVar variation 1693817 (VCV001693817.7), ClinGen allele CA2580063758.